The following is an entry in ClinVar:

ClinVar aggregate classification (germline): Uncertain significance. Review status: criteria provided, multiple submitters, no conflicts (2 of 4 stars). 3 submissions from 3 submitters: Uncertain significance (3). Last evaluated 2022-02-17.

Conditions:
Inborn genetic diseases. Identifiers: MedGen C0950123, MeSH D030342.
Polycystic kidney disease, adult type (PKD1). Also called: POLYCYSTIC KIDNEY DISEASE 1 WITH OR WITHOUT POLYCYSTIC LIVER DISEASE; POLYCYSTIC KIDNEY DISEASE, ADULT, TYPE I; Polycystic Kidney, Autosomal Dominant; Polycystic Kidney Disease 1, Autosomal Dominant; Polycystic kidney disease 1; Polycystic kidney disease 1, severe. Identifiers: MedGen C3149841, MONDO:0008263, OMIM 173900.

Allele frequency attached by ClinVar (database versions not stated): gnomAD exomes 0.00004 and 0.00013; ExAC 0.00019; ESP Exome Variant Server 0.00023; gnomAD 0.00036 and 0.00038; TOPMed 0.00048; 1000 Genomes Project 0.00080; 1000 Genomes Project 30x 0.00125.
gnomAD v4.1: 110 of 1,612,662 alleles (0.0068%); highest among the groups gnomAD compares: African/African-American, 0.12%; no homozygotes.

Submissions (3):

Ambry Genetics
Classification: Uncertain significance for Inborn genetic diseases. Last evaluated: 2022-02-17. Review status: criteria provided, single submitter. Criteria: Ambry Variant Classification Scheme 2023. Collection method: clinical testing. Allele origin: germline.

ARUP Laboratories, Molecular Genetics and Genomics, ARUP Laboratories
Classification: Uncertain significance for Polycystic kidney disease, adult type. Last evaluated: 2019-03-27. Review status: criteria provided, single submitter. Criteria: ARUP Molecular Germline Variant Investigation Process. Collection method: clinical testing. Allele origin: germline.
Comment: The PKD1 c.4838C>T; p.Ala1613Val variant (rs150405131), to our knowledge, is not reported in the medical literature or gene-specific databases. This variant is found in the African population with an overall allele frequency of 0.14% (35/24802 alleles) in the Genome Aggregation Database. The alanine at codon 1613 is highly conserved and computational analyses (SIFT, PolyPhen-2) predict that this variant is deleterious. However, due to limited information, the clinical significance of the p.Ala1613Val variant is uncertain at this time.

Department of Pathology and Laboratory Medicine, Sinai Health System
Classification: Uncertain significance for Polycystic kidney disease, adult type. Last evaluated: 2019-02-19. Review status: criteria provided, single submitter. Criteria: ACMG Guidelines, 2015. Collection method: clinical testing. Allele origin: germline.

NM_001009944.3(PKD1):c.4838C>T (p.Ala1613Val)

Gene: PKD1 (polycystin 1, transient receptor potential channel interacting; minus strand). Cytogenetic location: 16p13.3.
Variant type: single nucleotide variant.
Coding change: c.4838C>T on transcript NM_001009944.3 (MANE Select); coding-DNA position 4838, C replaced by T.
Protein change: p.Ala1613Val; replaces alanine 1613 with valine.
Molecular consequence: missense variant.
Genome position (GRCh38, 1-based): chr16:2,110,329, G>A on the plus strand (C>T on the coding strand, the complement: PKD1 is on the minus strand). VCF-style: chr16-2110329-G-A. GRCh37 (hg19) VCF-style: chr16-2160330-G-A.
Other names: c.4838C>T (NM_001009944.2, NM_000296.3); c.4838C>T, p.Ala1613Val (NM_000296.4); short protein forms A1613V.
Identifiers: ClinVar variation 811374 (VCV000811374.11), dbSNP rs150405131, ClinGen allele CA7832225.
Genomic context (GRCh38, chr16:2,110,329, plus strand): 5'-TCTATGAGCTGCAGGACATAGACGAAGATGCTGTCCTGGGCGGAGCCCACCTCGTTCTCA[G>A]CCGTGACGATGATATTGAAGGTGCCCACGGAGCGGAAGGTGTAAGAGATGGTAGGACCCC-3'
Protein context (NP_001009944.3, residues 1603-1623): SVGTFNIIVT[Ala1613Val]ENEVGSAQDS